The following is an entry in ClinVar:

ClinVar aggregate classification (germline): Pathogenic. Review status: reviewed by expert panel (3 of 4 stars). 10 submissions from 10 submitters: Pathogenic (1). 9 of the submissions do not count toward it. Last evaluated 2023-09-07.

Conditions:
ATM-related cancer predisposition. Also called: ATM-related cancer susceptibility. Identifiers: MedGen CN377759, MONDO:0700270.
Hereditary cancer-predisposing syndrome. Also called: Hereditary Cancer Syndrome; Neoplastic Syndromes, Hereditary; Tumor predisposition; Hereditary neoplastic syndrome. Identifiers: Orphanet 140162, MedGen C0027672, MeSH D009386, MONDO:0015356.
Familial cancer of breast. Also called: BREAST CANCER, FAMILIAL; hereditary breast carcinoma; Hereditary breast cancer. Identifiers: Orphanet 227535, MedGen C0346153, MONDO:0016419, OMIM 114480. Disease mechanism: loss of function.
Ataxia-telangiectasia syndrome (AT). Also called: ATAXIA-TELANGIECTASIA, COMPLEMENTATION GROUP A; ATAXIA-TELANGIECTASIA, FRESNO VARIANT; Ataxia-telangiectasia; LOUIS-BAR SYNDROME; Ataxia telangiectasia (A-T); Ataxia-telangiectasia, complementation group D. Identifiers: Orphanet 100, MedGen C0004135, MONDO:0008840, OMIM 208900.

Allele frequency attached by ClinVar (database versions not stated): gnomAD exomes 0.00002.

Submissions (10):

ClinGen Hereditary Breast, Ovarian and Pancreatic Cancer Variant Curation Expert Panel, ClinGen
Classification: Pathogenic for ATM-related cancer predisposition. Last evaluated: 2023-09-07. Review status: reviewed by expert panel. Criteria: ClinGen HBOP ACMG Specifications ATM V1.2.0. Collection method: curation. Allele origin: germline. Inheritance: Autosomal dominant inheritance.
Comment: The c.1355del (p.Thr452AsnfsTer21) variant in ATM is a frameshift variant predicted to cause a premature stop codon in a biologically-relevant-exon leading to nonsense mediated decay in a gene in which loss-of-function is an established disease mechanism. This alteration results in a termination codon upstream of the most C-terminus pathogenic alteration (ATM p.Arg3047*), as classified by the HBOP VCEP, and is expected to be more deleterious. This variant is absent from gnomAD v2.1.1. This variant has been detected in at least one individual with Ataxia-Telangiectasia (PMID: 9463314, 10234507, 26896183). In summary, this variant meets criteria to be classified as pathogenic for autosomal dominant hereditary breast cancer and autosomal recessive Ataxia-Telangiectasia based on the ACMG/AMP criteria applied, as specified by the HBOP VCEP. (PVS1, PM5_Supporting, PM3_Supporting, PM2_Supporting).

Labcorp Genetics (formerly Invitae), Labcorp
Classification: Pathogenic for Ataxia-telangiectasia syndrome. Last evaluated: 2025-08-25. Review status: criteria provided, single submitter. Criteria: Invitae Variant Classification Sherloc (09022015). Collection method: clinical testing. Allele origin: germline. Not counted in ClinVar's aggregate classification.
Comment: This sequence change creates a premature translational stop signal (p.Thr452Asnfs*21) in the ATM gene. It is expected to result in an absent or disrupted protein product. Loss-of-function variants in ATM are known to be pathogenic (PMID: 23807571, 25614872). This variant is not present in population databases (gnomAD no frequency). This premature translational stop signal has been observed in individual(s) with ataxia-telangiectasia (A-T) (PMID: 9463314, 10234507, 28779002). ClinVar contains an entry for this variant (Variation ID: 141474). For these reasons, this variant has been classified as Pathogenic.

Quest Diagnostics Nichols Institute San Juan Capistrano
Classification: Pathogenic. Last evaluated: 2025-08-12. Review status: criteria provided, single submitter. Criteria: Quest Diagnostics criteria. Collection method: clinical testing. Allele origin: unknown. Not counted in ClinVar's aggregate classification.
Comment: The ATM c.1355del (p.Thr452Asnfs*21) variant alters the translational reading frame of the ATM mRNA and causes the premature termination of ATM protein synthesis. This variant has been reported in the published literature in individuals with ataxia-telangiectasia (PMID: 10234507 (1999), 9463314 (1998)), breast cancer (PMID: 34887416 (2021), 33471991 (2021)) and prostate cancer (PMID: 31948886 (2020)). This variant has not been reported in large, multi-ethnic general populations (Genome Aggregation Database). Based on the available information, this variant is classified as pathogenic.

Victorian Clinical Genetics Services, Murdoch Childrens Research Institute
Classification: Pathogenic for Ataxia-telangiectasia syndrome. Last evaluated: 2024-10-02. Review status: criteria provided, single submitter. Criteria: ACMG Guidelines, 2015. Collection method: clinical testing. Allele origin: germline. Affected: yes. Not counted in ClinVar's aggregate classification.
Comment: This variant is classified as Pathogenic. Evidence in support of pathogenic classification: Variant is predicted to cause nonsense-mediated decay (NMD) and loss of protein (premature termination codon is located at least 54 nucleotides upstream of the final exon-exon junction); Variant is present in gnomAD <0.01 (v4: 27 heterozygote(s), 0 homozygote(s)); This variant has strong previous evidence of pathogenicity in unrelated individuals. This variant has been classified as pathogenic by the ClinGen Hereditary Breast, Ovarian and Pancreatic Cancer Variant Curation Expert Panel for autosomal dominant hereditary breast cancer and autosomal recessive ataxia-telangiectasia (ClinVar); Other NMD-predicted variants comparable to the one identified in this case have very strong previous evidence for pathogenicity (DECIPHER). Additional information: This variant is heterozygous; This gene is associated with both recessive and dominant disease. Biallelic variants in this gene result in ataxia-telangiectasia; however, heterozygous carriers of specific pathogenic variants have an increased risk of breast cancer (PMID: 27595995). Germline variants in this gene may also contribute to increased risk of other cancers including gastric, colorectal, and pancreatic cancers, however the risk is not well-established at this stage (PMIDs: 22585167, 27978560, 26506520). - Loss of function is a known mechanism of disease in this gene and is associated with ataxia-telangiectasia (MIM#208900) and susceptibility to breast cancer (MIM#114480); Variants in this gene are known to have variable expressivity with regard to ataxia-telangiectasia. Variable age of onset and rate of disease progression have been reported for affected individuals within the same family (PMIDs: 20301790, 27884168). - Inheritance information for this variant is not currently available in this individual.

Myriad Genetics, Inc.
Classification: Pathogenic for Familial cancer of breast. Last evaluated: 2024-01-16. Review status: criteria provided, single submitter. Criteria: Myriad Autosomal Dominant, Autosomal Recessive and X-Linked Classification Criteria (2023). Collection method: clinical testing. Allele origin: unknown. Not counted in ClinVar's aggregate classification.
Comment: This variant is considered pathogenic. This variant creates a frameshift predicted to result in premature protein truncation.

GeneDx
Classification: Pathogenic. Last evaluated: 2023-09-12. Review status: criteria provided, single submitter. Criteria: GeneDx Variant Classification Process June 2021. Collection method: clinical testing. Allele origin: germline. Affected: yes. Not counted in ClinVar's aggregate classification.
Comment: Frameshift variant predicted to result in protein truncation or nonsense mediated decay in a gene for which loss of function is a known mechanism of disease; Truncating variants in this gene are considered pathogenic by a well-established clinical consortium and/or database; Not observed at significant frequency in large population cohorts (gnomAD); This variant is associated with the following publications: (PMID: 9463314, 11821961, 28152038, 28779002, 31948886, 26896183, 35154108, 32694154, 35365198, 34887416, 10234507)

Baylor Genetics
Classification: Pathogenic for Familial cancer of breast. Last evaluated: 2023-09-07. Review status: criteria provided, single submitter. Criteria: ACMG Guidelines, 2015. Collection method: clinical testing. Allele origin: unknown. Not counted in ClinVar's aggregate classification.

Ambry Genetics
Classification: Pathogenic for Hereditary cancer-predisposing syndrome. Last evaluated: 2023-02-28. Review status: criteria provided, single submitter. Criteria: Ambry Variant Classification Scheme 2023. Collection method: clinical testing. Allele origin: germline. Not counted in ClinVar's aggregate classification.
Comment: The c.1355delC pathogenic mutation, located in coding exon 9 of the ATM gene, results from a deletion of one nucleotide at nucleotide position 1355, causing a translational frameshift with a predicted alternate stop codon (p.T452Nfs*21). This mutation has been reported in multiple individuals with ataxia-telangiectasia (Stankovic T et al. Am. J. Hum. Genet. 1998; 62:334-45, Izatt L et al. Eur. J. Hum. Genet. 1999; 7:310-20). In addition to the clinical data presented in the literature, this alteration is expected to result in loss of function by premature protein truncation or nonsense-mediated mRNA decay. This variant is considered to be rare based on population cohorts in the Genome Aggregation Database (gnomAD). As such, this alteration is interpreted as a disease-causing mutation.

Color Diagnostics, LLC DBA Color Health
Classification: Pathogenic for Hereditary cancer-predisposing syndrome. Last evaluated: 2022-08-15. Review status: criteria provided, single submitter. Criteria: ACMG Guidelines, 2015. Collection method: clinical testing. Allele origin: germline. Not counted in ClinVar's aggregate classification.
Comment: This variant deletes 1 nucleotide in exon 10 of the ATM gene, creating a frameshift and premature translation stop signal. This variant is expected to result in an absent or non-functional protein product. This variant has been reported in individuals affected with ataxia-telangiectasia (PMID: 9463314, 10234507, 15928302). In at least one of these individual, this variant was reported in the compound heterozygous state (PMID 10234507). Patient-derived lymphoblastoid cell lines show reduced ATM expression (PMID: 10234507). This variant has not been identified in the general population by the Genome Aggregation Database (gnomAD). Loss of ATM function is a known mechanism of disease. Based on the available evidence, this variant is classified as Pathogenic.

Illumina Laboratory Services, Illumina
Classification: Likely pathogenic for Ataxia-telangiectasia syndrome. Last evaluated: 2018-08-16. Review status: criteria provided, single submitter. Criteria: ICSL Variant Classification Criteria 09 May 2019. Collection method: clinical testing. Allele origin: germline. Not counted in ClinVar's aggregate classification.
Comment: The ATM c.1355delC (p.Thr452AsnfsTer21) variant is a frameshift variant that is predicted to cause premature truncation of the protein. The p.Thr452AsnfsTer21 variant has been reported in two studies in which it was found in two patients with ataxia-telangiectasia, in one in a compound heterozygous state with a second missense variant, and in the second patient in a presumed compound heterozygous state where a second variant was not specified (Stankovic et al. 1998; Izatt et al. 1999). Lymphoblastoid cell lines from both patients showed very low or no detectable protein compared with controls. Control data are unavailable for this variant. The p.Thr452AsnfsTer21 variant is not found in the 1000 Genomes Project, the Exome Sequencing Project, Exome Aggregation Consortium, or the Genome Aggregation Database. Based on the evidence, the p.Thr452AsnfsTer21 variant is classified as likely pathogenic for ataxia-telangiectasia. This variant was observed by ICSL as part of a predisposition screen in an ostensibly healthy population.

Literature cited by the submitters: PubMed 23807571 (cited by Labcorp Genetics (formerly Invitae), Labcorp); PubMed 25614872 (cited by Labcorp Genetics (formerly Invitae), Labcorp); PubMed 9463314 (cited by 4 submitters); PubMed 10234507 (cited by 4 submitters); PubMed 28779002 (cited by Labcorp Genetics (formerly Invitae), Labcorp); PubMed 26506520 (cited by Victorian Clinical Genetics Services, Murdoch Childrens Research Institute); PubMed 27884168 (cited by Victorian Clinical Genetics Services, Murdoch Childrens Research Institute); PubMed 27978560 (cited by Victorian Clinical Genetics Services, Murdoch Childrens Research Institute); PubMed 22585167 (cited by Victorian Clinical Genetics Services, Murdoch Childrens Research Institute); PubMed 27595995 (cited by Victorian Clinical Genetics Services, Murdoch Childrens Research Institute); PubMed 20301790 (cited by Victorian Clinical Genetics Services, Murdoch Childrens Research Institute); PubMed 11821961 (cited by Ambry Genetics); PubMed 15928302 (cited by Color Diagnostics, LLC DBA Color Health).

NM_000051.4(ATM):c.1355del (p.Thr452fs)

Gene: ATM (ATM serine/threonine kinase; plus strand). Cytogenetic location: 11q22.3.
Variant type: Deletion.
Coding change: c.1355del on transcript NM_000051.4 (MANE Select); coding-DNA position 1355, one base deleted (C; older notation c.1355delC).
Protein change: p.Thr452fs; shifts the reading frame from threonine 452.
Molecular consequence: frameshift variant.
Genome position (GRCh38, 1-based): chr11:108,250,820, C deleted. VCF-style (leftmost placement, unchanged base first): chr11-108250819-AC-A. GRCh37 (hg19) VCF-style: chr11-108121546-AC-A.
Other names: NM_000051.4(ATM):c.1355del; p.Thr452fs; c.1355delC (NM_000051.3); c.1355del, p.Thr452fs (NM_001351834.2); short protein forms T452fs.
Identifiers: ClinVar variation 141474 (VCV000141474.31), dbSNP rs587781776, ClinGen allele CA165539.
Genomic context (GRCh38, chr11:108,250,819, plus strand): 5'-CTGTCTCCATTACTGATGATACTATCTCAGCTTCTACCCCAACAGCGACATGGGGAACGT[AC>A]ACCATATGTGTTACGATGCCTTACGGAAGTTGCATTGTGTCAAGACAAGAGGTCAAACCT-3'